The following is an entry in ClinVar:

NM_002880.4(RAF1):c.31A>T (p.Ile11Phe)

Gene: RAF1 (Raf-1 proto-oncogene, serine/threonine kinase; minus strand). Cytogenetic location: 3p25.2.
Variant type: single nucleotide variant.
Coding change: c.31A>T on transcript NM_002880.4 (MANE Select); coding-DNA position 31, A replaced by T.
Protein change: p.Ile11Phe; replaces isoleucine 11 with phenylalanine.
Molecular consequence: missense variant. On other transcripts: 5 prime UTR variant (4), non-coding transcript variant (3).
Genome position (GRCh38, 1-based): chr3:12,618,691, T>A on the plus strand (A>T on the coding strand, the complement: RAF1 is on the minus strand). VCF-style: chr3-12618691-T-A. GRCh37 (hg19) VCF-style: chr3-12660190-T-A.
Other names: c.31A>T, p.Ile11Phe (NM_001354689.3, NM_001354690.3, NM_001354693.3); c.-100A>T (NM_001354691.3, NM_001354692.3, NM_001354694.3 and 1 more transcripts); short protein forms I11F.
Identifiers: ClinVar variation 620618 (VCV000620618.15), dbSNP rs779001930, ClinGen allele CA351485223.
Genomic context (GRCh38, chr3:12,618,691, plus strand): 5'-TAGGAGAGATGCAGCTGGAGCCATCAAACACGGCATCTTTGAATCCAAAACCATTGCTGA[T>A]CGTCTTCCAAGCTCCCTGTATGTGCTCCATTGATGCAGCTTAAACAATTCTTAAACCTGG-3'
Protein context (NP_002871.1, residues 1-21): MEHIQGAWKT[Ile11Phe]SNGFGFKDAV

ClinVar aggregate classification (germline): Uncertain significance. Review status: criteria provided, multiple submitters, no conflicts (2 of 4 stars). 4 submissions from 4 submitters: Uncertain significance (4). Last evaluated 2025-02-28.

Conditions:
LEOPARD syndrome 2 (LPRD2). Also called: RAF1-Related LEOPARD Syndrome. Identifiers: Orphanet 500, MedGen C1969056, MONDO:0012691, OMIM 611554.
Noonan syndrome 5 (NS5). Also called: RAF1-Related Noonan Syndrome. Identifiers: Orphanet 648, MedGen C1969057, MONDO:0012690, OMIM 611553. Disease mechanism: gain of function.
Dilated cardiomyopathy 1NN. Identifiers: Orphanet 154, MedGen C4014656, MONDO:0014396, OMIM 615916.
Noonan syndrome (NS). Also called: Noonan's syndrome. Identifiers: Orphanet 648, MedGen C0028326, MeSH D009634, MONDO:0018997. Disease mechanism: gain of function.
Cardiovascular phenotype. Identifiers: MedGen CN230736.
RASopathy. Also called: rasopathies; Noonan spectrum disorder. Identifiers: Orphanet 536391, MedGen C5555857, MONDO:0021060.

Allele frequency attached by ClinVar (database versions not stated): gnomAD 0.00001.
gnomAD v4.1: 8 of 1,614,076 alleles (0.0005%); highest among the groups gnomAD compares: African/African-American, 0.0013%; no homozygotes.

Submissions (4):

Ambry Genetics
Classification: Uncertain significance for Cardiovascular phenotype. Last evaluated: 2025-02-28. Review status: criteria provided, single submitter. Criteria: Ambry Variant Classification Scheme 2023. Collection method: clinical testing. Allele origin: germline.
Comment: The p.I11F variant (also known as c.31A>T), located in coding exon 1 of the RAF1 gene, results from an A to T substitution at nucleotide position 31. The isoleucine at codon 11 is replaced by phenylalanine, an amino acid with highly similar properties. This amino acid position is not well conserved in available vertebrate species. In addition, this alteration is predicted to be tolerated by in silico analysis. Since supporting evidence is limited at this time, the clinical significance of this alteration remains unclear.

Labcorp Genetics (formerly Invitae), Labcorp
Classification: Uncertain significance for RASopathy. Last evaluated: 2023-03-11. Review status: criteria provided, single submitter. Criteria: Invitae Variant Classification Sherloc (09022015). Collection method: clinical testing. Allele origin: germline.
Comment: This variant is not present in population databases (gnomAD no frequency). This sequence change replaces isoleucine, which is neutral and non-polar, with phenylalanine, which is neutral and non-polar, at codon 11 of the RAF1 protein (p.Ile11Phe). This variant has not been reported in the literature in individuals affected with RAF1-related conditions. ClinVar contains an entry for this variant (Variation ID: 620618). Advanced modeling of protein sequence and biophysical properties (such as structural, functional, and spatial information, amino acid conservation, physicochemical variation, residue mobility, and thermodynamic stability) performed at Invitae indicates that this missense variant is not expected to disrupt RAF1 protein function. In summary, the available evidence is currently insufficient to determine the role of this variant in disease. Therefore, it has been classified as a Variant of Uncertain Significance.

St. Jude Molecular Pathology, St. Jude Children's Research Hospital
Classification: Uncertain significance for Noonan syndrome. Last evaluated: 2020-09-22. Review status: criteria provided, single submitter. Criteria: St. Jude Assertion Criteria 2020. Collection method: clinical testing. Allele origin: germline.

Center for Genomics, Ann and Robert H. Lurie Children's Hospital of Chicago
Classification: Uncertain significance for Dilated cardiomyopathy 1NN; Noonan syndrome 5; LEOPARD syndrome 2. Review status: criteria provided, single submitter. Criteria: ACMG Guidelines, 2015. Collection method: clinical testing. Allele origin: germline.
Comment: RAF1 NM_002880.3 exon 2 p.Ile11Phe (c.31A>T): This variant has not been reported in the literature and is not present in large control databases. Evolutionary conservation and computational predictive tools for this variant are unclear. In summary, data on this variant is insufficient for disease classification. Therefore, the clinical significance of this variant is uncertain.